The following is an entry in ClinVar:

ClinVar aggregate classification (germline): Uncertain significance (1 of 4 stars; one submission).

Conditions:
Charcot-Marie-Tooth disease, type I (CMT1). Also called: Charcot-Marie-Tooth disease type 1; Charcot-Marie-Tooth, Type 1. Identifiers: Orphanet 65753, MedGen C0751036, MONDO:0019011.

gnomAD v4.1: 2 of 1,613,946 alleles (0.00012%); highest among the groups gnomAD compares: Admixed American, 0.0033%; no homozygotes.

Submission:

Labcorp Genetics (formerly Invitae), Labcorp
Classification: Uncertain significance for Charcot-Marie-Tooth disease, type I. Last evaluated: 2022-10-17. Review status: criteria provided, single submitter. Criteria: Invitae Variant Classification Sherloc (09022015). Collection method: clinical testing. Allele origin: germline.
Comment: In summary, the available evidence is currently insufficient to determine the role of this variant in disease. Therefore, it has been classified as a Variant of Uncertain Significance. Advanced modeling of protein sequence and biophysical properties (such as structural, functional, and spatial information, amino acid conservation, physicochemical variation, residue mobility, and thermodynamic stability) performed at Invitae indicates that this missense variant is not expected to disrupt PMP22 protein function. ClinVar contains an entry for this variant (Variation ID: 862494). This variant has not been reported in the literature in individuals affected with PMP22-related conditions. This variant is present in population databases (no rsID available, gnomAD 0.006%). This sequence change replaces asparagine, which is neutral and polar, with serine, which is neutral and polar, at codon 127 of the PMP22 protein (p.Asn127Ser).

NM_000304.4(PMP22):c.380A>G (p.Asn127Ser)

Gene: PMP22 (peripheral myelin protein 22; minus strand). Cytogenetic location: 17p12.
Variant type: single nucleotide variant.
Coding change: c.380A>G on transcript NM_000304.4 (MANE Select); coding-DNA position 380, A replaced by G.
Protein change: p.Asn127Ser; replaces asparagine 127 with serine.
Molecular consequence: missense variant. On other transcripts: non-coding transcript variant (2).
Genome position (GRCh38, 1-based): chr17:15,231,020, T>C on the plus strand (A>G on the coding strand, the complement: PMP22 is on the minus strand). VCF-style: chr17-15231020-T-C. GRCh37 (hg19) VCF-style: chr17-15134337-T-C.
Other names: c.380A>G, p.Asn127Ser (NM_001281455.2, NM_001281456.2, NM_153321.3 and 1 more transcripts); short protein forms N127S.
Identifiers: ClinVar variation 862494 (VCV000862494.6), dbSNP rs1345860559, ClinGen allele CA398739682.
Genomic context (GRCh38, chr17:15,231,020, plus strand): 5'-AGGGCCAGGGGGAAGGCCACCCAGGCCAGGATGTAGGCGAAACCGTAGGAGTAATCCGAG[T>C]TGAGATGCCACTCCGGGTGCCTCACCGTGTAGATGGCCGCAGCACTCATCACGCACAGAC-3'
Protein context (NP_000295.1, residues 117-137): YTVRHPEWHL[Asn127Ser]SDYSYGFAYI